The following is an entry in ClinVar:

ClinVar aggregate classification (germline): Conflicting classifications of pathogenicity. Review status: criteria provided, conflicting classifications (1 of 4 stars). 2 submissions from 2 submitters: Likely pathogenic (1); Uncertain significance (1). Last evaluated 2025-07-02.

Conditions:
Dystrophinopathies. Identifiers: MedGen CN381500.

Submissions (2):

Division of Genetic & Genomic Pathology, Hong Kong Children's Hospital
Classification: Likely pathogenic for Dystrophinopathies. Last evaluated: 2025-07-02. Review status: criteria provided, single submitter. Criteria: ACMG Guidelines, 2015. Collection method: clinical testing. Allele origin: de novo. Affected: yes.
Comment: The missense variant DMD c.419T>G p.(Leu140Arg) is located in exon 6 of the gene at the actin-binding domain. The variant is absent from control populations (gnomAD v4.1.0). It has been deposited in ClinVar as uncertain significance by a single submitter (ClinVar accession no.: VCV000447257.1). Another missense variant c.419T>A p.(Leu140His) affecting the same codon was previously detected in a patient with Becker muscular dystrophy (PMID: 36849458). In-silico predictions suggest that the c.419T>G variant is damaging (REVEL score 0.956). For these reasons, this variant is classified as likely pathogenic.

Athena Diagnostics
Classification: Uncertain significance. Last evaluated: 2017-03-06. Review status: criteria provided, single submitter. Criteria: Athena Diagnostics Criteria. Collection method: clinical testing. Allele origin: germline.

Literature cited by the submitters: PubMed 36849458 (cited by Division of Genetic & Genomic Pathology, Hong Kong Children's Hospital).

NM_004006.3(DMD):c.419T>G (p.Leu140Arg)

Gene: DMD (dystrophin; minus strand). Cytogenetic location: Xp21.1.
Variant type: single nucleotide variant.
Coding change: c.419T>G on transcript NM_004006.3 (MANE Select); coding-DNA position 419, T replaced by G.
Protein change: p.Leu140Arg; replaces leucine 140 with arginine.
Molecular consequence: missense variant.
Genome position (GRCh38, 1-based): chrX:32,816,579, A>C on the plus strand (T>G on the coding strand, the complement: DMD is on the minus strand). VCF-style: chrX-32816579-A-C. GRCh37 (hg19) VCF-style: chrX-32834696-A-C.
Other names: c.395T>G, p.Leu132Arg (NM_000109.4); c.407T>G, p.Leu136Arg (NM_004009.3); c.50T>G, p.Leu17Arg (NM_004010.3); short protein forms L140R, L136R, L17R, L132R.
Identifiers: ClinVar variation 447257 (VCV000447257.2), dbSNP rs1557052675, ClinGen allele CA412674251.